The following is an entry in ClinVar:

ClinVar aggregate classification (germline): Likely benign. Review status: criteria provided, multiple submitters, no conflicts (2 of 4 stars). 2 submissions from 2 submitters: Likely benign (2). Last evaluated 2024-02-11.

Allele frequency attached by ClinVar (database versions not stated): gnomAD exomes 0.00006 and 0.00012; ExAC 0.00009; gnomAD 0.00012 and 0.00013; TOPMed 0.00014; 1000 Genomes Project 30x 0.00047.
gnomAD v4.1: 111 of 1,613,438 alleles (0.0069%); highest among the groups gnomAD compares: East Asian, 0.062%; no homozygotes.

Submissions (2):

Labcorp Genetics (formerly Invitae), Labcorp
Classification: Likely benign. Last evaluated: 2024-02-11. Review status: criteria provided, single submitter. Criteria: Invitae Variant Classification Sherloc (09022015). Collection method: clinical testing. Allele origin: germline.

CeGaT Center for Human Genetics Tuebingen
Classification: Likely benign. Last evaluated: 2024-01-01. Review status: criteria provided, single submitter. Criteria: CeGaT Center For Human Genetics Tuebingen Variant Classification Criteria Version 2. Collection method: clinical testing. Allele origin: germline. Affected: yes. Observed: 1 variant allele.
Comment: HERC1: BP4, BP7

NM_003922.4(HERC1):c.7776G>A (p.Ala2592=)

Gene: HERC1 (HECT and RLD domain containing E3 ubiquitin protein ligase family member 1; minus strand). Cytogenetic location: 15q22.31.
Variant type: single nucleotide variant.
Coding change: c.7776G>A on transcript NM_003922.4 (MANE Select); coding-DNA position 7776, G replaced by A.
Protein change: p.Ala2592=; no amino-acid change (alanine 2592 retained).
Molecular consequence: synonymous variant.
Genome position (GRCh38, 1-based): chr15:63,674,412, C>T on the plus strand (G>A on the coding strand, the complement: HERC1 is on the minus strand). VCF-style: chr15-63674412-C-T. GRCh37 (hg19) VCF-style: chr15-63966611-C-T.
Identifiers: ClinVar variation 742009 (VCV000742009.27), dbSNP rs777515838, ClinGen allele CA7605104.